The following is an entry in ClinVar:

ClinVar aggregate classification (germline): Uncertain significance (1 of 4 stars; one submission).

Conditions:
Axenfeld-Rieger syndrome type 3 (RIEG3). Also called: AXENFELD-RIEGER ANOMALY WITH CARDIAC DEFECTS AND/OR SENSORINEURAL HEARING LOSS. Identifiers: Orphanet 782, MedGen C2678503, MONDO:0011233, OMIM 602482.

Submission:

Labcorp Genetics (formerly Invitae), Labcorp
Classification: Uncertain significance for Axenfeld-Rieger syndrome type 3. Last evaluated: 2025-07-20. Review status: criteria provided, single submitter. Criteria: Invitae Variant Classification Sherloc (09022015). Collection method: clinical testing. Allele origin: germline.
Comment: This sequence change affects codon 47 of the FOXC1 mRNA. It is a 'silent' change, meaning that it does not change the encoded amino acid sequence of the FOXC1 protein. This variant is present in population databases (rs372857241, gnomAD 0.03%). This variant has not been reported in the literature in individuals affected with FOXC1-related conditions. In summary, the available evidence is currently insufficient to determine the role of this variant in disease. Therefore, it has been classified as a Variant of Uncertain Significance.

NM_001453.3(FOXC1):c.141C>T (p.Tyr47=)

Gene: FOXC1 (forkhead box C1; plus strand). Cytogenetic location: 6p25.3.
Variant type: single nucleotide variant.
Coding change: c.141C>T on transcript NM_001453.3 (MANE Select); coding-DNA position 141, C replaced by T.
Protein change: p.Tyr47=; no amino-acid change (tyrosine 47 retained).
Molecular consequence: synonymous variant.
Genome position (GRCh38, 1-based): chr6:1,610,586, C>T. VCF-style: chr6-1610586-C-T. GRCh37 (hg19) VCF-style: chr6-1610821-C-T.
Identifiers: ClinVar variation 4808828 (VCV004808828.1).
Genomic context (GRCh38, chr6:1,610,586, plus strand): 5'-CGCGGCGGCCGCGGCGGCCGGGGGCGGCTACACCGCCATGCCGGCCCCCATGAGCGTGTA[C>T]TCGCACCCTGCGCACGCCGAGCAGTACCCGGGCGGCATGGCCCGCGCCTACGGGCCCTAC-3'
Protein context (NP_001444.2, residues 37-57): YTAMPAPMSV[Tyr47=]SHPAHAEQYP